The following is an entry in ClinVar:

ClinVar aggregate classification (germline): Uncertain significance (1 of 4 stars; one submission).

Conditions:
Macrocephaly, neurodevelopmental delay, lymphoid hyperplasia, and persistent fetal hemoglobin (MNDLFH). Identifiers: Orphanet 694956, MedGen C5676928, MONDO:0859231, OMIM 619769.

Submission:

Dasa
Classification: Uncertain significance for Macrocephaly, neurodevelopmental delay, lymphoid hyperplasia, and persistent fetal hemoglobin. Last evaluated: 2025-12-03. Review status: criteria provided, single submitter. Criteria: DASA Assertion Criteria. Collection method: clinical testing. Allele origin: germline.
Comment: NM_015898.4(ZBTB7A):c.1634_1639del (p.Glu545_Asp546del) is an in-frame deletion predicted to remove amino acids from glutamic acid at protein position 545 through aspartic acid at protein position 546 without shifting the reading frame. This variant is rare in population databases. The currently available literature and clinical evidence are not sufficient to establish a definitive association between this variant and the reported condition. Therefore, this variant is classified as a variant of uncertain significance.

NM_015898.4(ZBTB7A):c.1616AGGACG[3] (p.541ED[2])

Gene: ZBTB7A (zinc finger and BTB domain containing 7A; minus strand). Cytogenetic location: 19p13.3.
Variant type: Microsatellite.
Coding change: c.1616AGGACG[3] on transcript NM_015898.4 (MANE Select); three copies in a row of the 6-base unit AGGACG starting at c.1616; the reference has four copies in a row; one copy, 6 bases deleted; also written c.1634_1639del.
Protein change: p.541ED[2].
Molecular consequence: inframe deletion.
Genome position (GRCh38, 1-based): chr19:4,047,868-4,047,873, CGTCCT deleted on the plus strand (AGGACG on the coding strand, the reverse complement: ZBTB7A is on the minus strand); deleting any 6 consecutive bases within chr19:4,047,868-4,047,891 gives the same sequence; the position shown is the placement nearest the transcript's 3' end. VCF-style (leftmost placement, unchanged base first): chr19-4047867-ACGTCCT-A. GRCh37 (hg19) VCF-style: chr19-4047865-ACGTCCT-A.
Other names: c.1616AGGACG[3], p.541ED[2] (NM_001317990.2); c.1634_1639del (NM_015898.4).
Identifiers: ClinVar variation 4884097 (VCV004884097.2).